The following is an entry in ClinVar:

ClinVar aggregate classification (germline): Uncertain significance (1 of 4 stars; one submission).

Conditions:
Developmental and epileptic encephalopathy, 12 (DEE12). Identifiers: MedGen C3150988, MONDO:0013389, OMIM 613722.

Submission:

Labcorp Genetics (formerly Invitae), Labcorp
Classification: Uncertain significance for Developmental and epileptic encephalopathy, 12. Last evaluated: 2022-07-30. Review status: criteria provided, single submitter. Criteria: Invitae Variant Classification Sherloc (09022015). Collection method: clinical testing. Allele origin: germline.
Comment: This sequence change replaces methionine, which is neutral and non-polar, with leucine, which is neutral and non-polar, at codon 820 of the PLCB1 protein (p.Met820Leu). This variant is not present in population databases (gnomAD no frequency). This variant has not been reported in the literature in individuals affected with PLCB1-related conditions. Algorithms developed to predict the effect of missense changes on protein structure and function (SIFT, PolyPhen-2, Align-GVGD) all suggest that this variant is likely to be tolerated. In summary, the available evidence is currently insufficient to determine the role of this variant in disease. Therefore, it has been classified as a Variant of Uncertain Significance.

NM_015192.4(PLCB1):c.2458A>T (p.Met820Leu)

Gene: PLCB1 (phospholipase C beta 1; plus strand). Cytogenetic location: 20p12.3.
Variant type: single nucleotide variant.
Coding change: c.2458A>T on transcript NM_015192.4 (MANE Select); coding-DNA position 2458, A replaced by T.
Protein change: p.Met820Leu; replaces methionine 820 with leucine.
Molecular consequence: missense variant.
Genome position (GRCh38, 1-based): chr20:8,741,508, A>T. VCF-style: chr20-8741508-A-T. GRCh37 (hg19) VCF-style: chr20-8722155-A-T.
Other names: c.2458A>T, p.Met820Leu (NM_182734.3); short protein forms M820L.
Identifiers: ClinVar variation 1714470 (VCV001714470.6), dbSNP rs1176867883, ClinGen allele CA408208304.